The following is an entry in ClinVar:

NM_014516.4(CNOT3):c.258G>A (p.Thr86=)

Gene: CNOT3 (CCR4-NOT transcription complex subunit 3; plus strand). Cytogenetic location: 19q13.42.
Variant type: single nucleotide variant.
Coding change: c.258G>A on transcript NM_014516.4 (MANE Select); coding-DNA position 258, G replaced by A.
Protein change: p.Thr86=; no amino-acid change (threonine 86 retained).
Molecular consequence: synonymous variant.
Genome position (GRCh38, 1-based): chr19:54,143,749, G>A. VCF-style: chr19-54143749-G-A. GRCh37 (hg19) VCF-style: chr19-54647485-G-A.
Identifiers: ClinVar variation 3387822 (VCV003387822.2).

ClinVar aggregate classification (germline): Likely pathogenic. Review status: criteria provided, multiple submitters, no conflicts (2 of 4 stars). 2 submissions from 2 submitters: Likely pathogenic (2). Last evaluated 2024-02-27.

Conditions:
Intellectual developmental disorder with speech delay, autism, and dysmorphic facies. Identifiers: MedGen C5231456, MONDO:0032864, OMIM 618672.

Submissions (2):

Genetics Laboratory, UDIAT-Centre Diagnòstic, Hospital Universitari Parc Tauli
Classification: Likely pathogenic for intellectual developmental disorder with speech delay, autism, and dysmorphic facies. Last evaluated: 2024-02-27. Review status: criteria provided, single submitter. Criteria: ACMG Guidelines, 2015. Collection method: clinical testing. Allele origin: unknown. Inheritance: Autosomal dominant inheritance. Affected: yes.
Comment: PVS1_very strong;PM2_supporting

Cytogenetique et Genetique Moleculaire, CHU Besancon
Classification: Likely pathogenic for Intellectual developmental disorder with speech delay, autism, and dysmorphic facies. Last evaluated: 2023-08-13. Review status: criteria provided, single submitter. Criteria: ACMG Guidelines, 2015. Collection method: clinical testing. Allele origin: germline. Affected: yes.
Comment: The NM_014516.4:c.2204G>T variant is a synonymous variant which is predicted to result in a alteration of consensus splice site (Spip and Splice AI), and likely results in an absent or disrupted protein product (PP3). In summary, this variant meets criteria to be classified as likely pathogenic for CNOT3-related neurodevelopmental disorders based on the ACMG/AMP criteria applied (PS2 PM2 PP3).